The following is an entry in ClinVar:

NM_003738.5(PTCH2):c.1448C>T (p.Pro483Leu)

Gene: PTCH2 (patched 2; minus strand). Cytogenetic location: 1p34.1.
Variant type: single nucleotide variant.
Coding change: c.1448C>T on transcript NM_003738.5 (MANE Select); coding-DNA position 1448, C replaced by T.
Protein change: p.Pro483Leu; replaces proline 483 with leucine.
Molecular consequence: missense variant.
Genome position (GRCh38, 1-based): chr1:44,828,998, G>A on the plus strand (C>T on the coding strand, the complement: PTCH2 is on the minus strand). VCF-style: chr1-44828998-G-A. GRCh37 (hg19) VCF-style: chr1-45294670-G-A.
Other names: c.1448C>T, p.Pro483Leu (NM_001166292.2); short protein forms P483L.
Identifiers: ClinVar variation 1388106 (VCV001388106.6), dbSNP rs2148876862, ClinGen allele CA340102581.
Genomic context (GRCh38, chr1:44,828,998, plus strand): 5'-TAAGCTGAGCTGCCTCAGATGAGCCCTGGGGGACAAGGCCCCACCTGGAGAGGGGTGCCA[G>A]GCAGAGCCTCTGTGAAGGCATGCGCCAGCAGGAATACGTCATCCACGCCGATTCCCAGAG-3'
Protein context (NP_003729.3, residues 473-493): LLAHAFTEAL[Pro483Leu]GTPLQERMGE

ClinVar aggregate classification (germline): Uncertain significance (1 of 4 stars; one submission).

Conditions:
Gorlin syndrome. Also called: Nevoid Basal Cell Carcinoma Syndrome; Basal cell nevus syndrome. Identifiers: Orphanet 377, MedGen C0004779, MONDO:0007187.

gnomAD v4.1: 1 of 1,561,284 alleles (0.000064%); highest among the groups gnomAD compares: South Asian, 0.0012%; no homozygotes.

Submission:

Labcorp Genetics (formerly Invitae), Labcorp
Classification: Uncertain significance for Gorlin syndrome. Last evaluated: 2023-10-03. Review status: criteria provided, single submitter. Criteria: Invitae Variant Classification Sherloc (09022015). Collection method: clinical testing. Allele origin: germline.
Comment: This sequence change replaces proline, which is neutral and non-polar, with leucine, which is neutral and non-polar, at codon 483 of the PTCH2 protein (p.Pro483Leu). This variant is not present in population databases (gnomAD no frequency). This variant has not been reported in the literature in individuals affected with PTCH2-related conditions. ClinVar contains an entry for this variant (Variation ID: 1388106). Advanced modeling of protein sequence and biophysical properties (such as structural, functional, and spatial information, amino acid conservation, physicochemical variation, residue mobility, and thermodynamic stability) performed at Invitae indicates that this missense variant is not expected to disrupt PTCH2 protein function. In summary, the available evidence is currently insufficient to determine the role of this variant in disease. Therefore, it has been classified as a Variant of Uncertain Significance.